The following is an entry in ClinVar:

NM_015073.3(SIPA1L3):c.501G>C (p.Arg167=)

Gene: SIPA1L3 (signal induced proliferation associated 1 like 3; plus strand). Cytogenetic location: 19q13.13.
Variant type: single nucleotide variant.
Coding change: c.501G>C on transcript NM_015073.3 (MANE Select); coding-DNA position 501, G replaced by C.
Protein change: p.Arg167=; no amino-acid change (arginine 167 retained).
Molecular consequence: synonymous variant.
Genome position (GRCh38, 1-based): chr19:38,082,066, G>C. VCF-style: chr19-38082066-G-C. GRCh37 (hg19) VCF-style: chr19-38572706-G-C.
Other names: c.501G>C (NM_015073.2).
Identifiers: ClinVar variation 2754972 (VCV002754972.4), dbSNP rs149198964, ClinGen allele CA9409123.
Genomic context (GRCh38, chr19:38,082,066, plus strand): 5'-AGACGTGGAGTTCCAGGACGGGTGGCCCCGGTCCCCCGGCAGGGCCTTCCTCCCCCTTCG[G>C]CACCGCAGCAGCAGCGAGATCACCCTCAGCGAGTGTGACGCGGAGGACGCGGGGGAGCCG-3'
Protein context (NP_055888.1, residues 157-177): RSPGRAFLPL[Arg167=]HRSSSEITLS

ClinVar aggregate classification (germline): Likely benign. Review status: criteria provided, multiple submitters, no conflicts (2 of 4 stars). 2 submissions from 2 submitters: Likely benign (2). Last evaluated 2025-08-26.

Conditions:
SIPA1L3-related disorder. Also called: SIPA1L3-related condition.

Allele frequency attached by ClinVar (database versions not stated): ESP Exome Variant Server 0.00015; ExAC 0.00036; gnomAD 0.00046; TOPMed 0.00048; gnomAD exomes 0.00111.
gnomAD v4.1: 1,678 of 1,612,908 alleles (0.1%); highest among the groups gnomAD compares: Non-Finnish European, 0.14%; 2 homozygotes.

Submissions (2):

Labcorp Genetics (formerly Invitae), Labcorp
Classification: Likely benign. Last evaluated: 2025-08-26. Review status: criteria provided, single submitter. Criteria: Invitae Variant Classification Sherloc (09022015). Collection method: clinical testing. Allele origin: germline.

PreventionGenetics, part of Exact Sciences
Classification: Likely benign for SIPA1L3-related condition. Last evaluated: 2024-11-22. Review status: criteria provided, single submitter. Criteria: ACMG Guidelines, 2015. Collection method: clinical testing. Allele origin: germline.
Comment: This variant is classified as likely benign based on ACMG/AMP sequence variant interpretation guidelines (Richards et al. 2015 PMID: 25741868, with internal and published modifications).